The following is an entry in ClinVar:

NM_145262.4(GLYCTK):c.1241T>A (p.Leu414Gln)

Gene: GLYCTK (glycerate kinase; plus strand). Cytogenetic location: 3p21.2.
Variant type: single nucleotide variant.
Coding change: c.1241T>A on transcript NM_145262.4 (MANE Select); coding-DNA position 1241, T replaced by A.
Protein change: p.Leu414Gln; replaces leucine 414 with glutamine.
Molecular consequence: missense variant. On other transcripts: 3 prime UTR variant (1), non-coding transcript variant (2).
Genome position (GRCh38, 1-based): chr3:52,292,795, T>A. VCF-style: chr3-52292795-T-A. GRCh37 (hg19) VCF-style: chr3-52326811-T-A.
Other names: c.*360T>A (NM_001144951.2); short protein forms L414Q.
Identifiers: ClinVar variation 1920206 (VCV001920206.3), dbSNP rs1290778133, ClinGen allele CA353075554.

ClinVar aggregate classification (germline): Uncertain significance (1 of 4 stars; one submission).

Allele frequency attached by ClinVar (database versions not stated): gnomAD 0.00001; TOPMed 0.00001.
gnomAD v4.1: 21 of 1,611,094 alleles (0.0013%); highest among the groups gnomAD compares: Non-Finnish European, 0.0018%; no homozygotes.

Submission:

Labcorp Genetics (formerly Invitae), Labcorp
Classification: Uncertain significance. Last evaluated: 2021-12-29. Review status: criteria provided, single submitter. Criteria: Invitae Variant Classification Sherloc (09022015). Collection method: clinical testing. Allele origin: germline.
Comment: In summary, the available evidence is currently insufficient to determine the role of this variant in disease. Therefore, it has been classified as a Variant of Uncertain Significance. Algorithms developed to predict the effect of missense changes on protein structure and function (SIFT, PolyPhen-2, Align-GVGD) all suggest that this variant is likely to be disruptive. This variant has not been reported in the literature in individuals affected with GLYCTK-related conditions. This variant is present in population databases (no rsID available, gnomAD 0.002%). This sequence change replaces leucine, which is neutral and non-polar, with glutamine, which is neutral and polar, at codon 414 of the GLYCTK protein (p.Leu414Gln).